The following is an entry in ClinVar:

NM_001346022.3(USP45):c.904C>T (p.Leu302=)

Gene: USP45 (ubiquitin specific peptidase 45; minus strand). Cytogenetic location: 6q16.2.
Variant type: single nucleotide variant.
Coding change: c.904C>T on transcript NM_001346022.3 (MANE Select); coding-DNA position 904, C replaced by T.
Protein change: p.Leu302=; no amino-acid change (leucine 302 retained).
Molecular consequence: synonymous variant. On other transcripts: 5 prime UTR variant (3), non-coding transcript variant (5).
Genome position (GRCh38, 1-based): chr6:99,476,172, G>A on the plus strand (C>T on the coding strand, the complement: USP45 is on the minus strand). VCF-style: chr6-99476172-G-A. GRCh37 (hg19) VCF-style: chr6-99924048-G-A.
Other names: c.904C>T, p.Leu302= (NM_001080481.3, NM_001346021.3, NM_001346024.3 and 2 more transcripts); c.901C>T, p.Leu301= (NM_001346023.3, NM_001346025.3); c.-85C>T (NM_001346027.3, NM_001346028.3, NM_001346029.3).
Identifiers: ClinVar variation 2443295 (VCV002443295.26), dbSNP rs75273675, ClinGen allele CA3935472.

ClinVar aggregate classification (germline): Likely benign. Review status: criteria provided, single submitter (1 of 4 stars). 2 submissions from 2 submitters: Likely benign (1). 1 of the submissions does not count toward it. Last evaluated 2022-07-01.

Allele frequency attached by ClinVar (database versions not stated): ExAC 0.00160; gnomAD exomes 0.00202; ESP Exome Variant Server 0.00208; 1000 Genomes Project 30x 0.00219; 1000 Genomes Project 0.00240.
gnomAD v4.1: 3,310 of 1,613,962 alleles (0.21%); highest among the groups gnomAD compares: Admixed American, 0.37%; 6 homozygotes.

Submissions (2):

CeGaT Center for Human Genetics Tuebingen
Classification: Likely benign. Last evaluated: 2022-07-01. Review status: criteria provided, single submitter. Criteria: CeGaT Center For Human Genetics Tuebingen Variant Classification Criteria Version 2. Collection method: clinical testing. Allele origin: germline. Affected: yes. Observed: 1 variant allele.
Comment: USP45: BP4, BP7

Genetic Services Laboratory, University of Chicago
Classification: Likely benign. Last evaluated: 2022-11-28. Review status: no assertion criteria provided. Collection method: clinical testing. Allele origin: germline. Affected: no. Not counted in ClinVar's aggregate classification.